The following is an entry in ClinVar:

NM_001114753.3(ENG):c.683C>A (p.Ser228Ter)

Gene: ENG (endoglin; minus strand). Cytogenetic location: 9q34.11.
Variant type: single nucleotide variant.
Coding change: c.683C>A on transcript NM_001114753.3 (MANE Select); coding-DNA position 683, C replaced by A.
Protein change: p.Ser228Ter; replaces serine 228 with a stop codon.
Molecular consequence: nonsense.
Genome position (GRCh38, 1-based): chr9:127,825,701, G>T on the plus strand (C>A on the coding strand, the complement: ENG is on the minus strand). VCF-style: chr9-127825701-G-T. GRCh37 (hg19) VCF-style: chr9-130587980-G-T.
Other names: c.683C>A (NM_001114753.1); c.683C>A, p.Ser228Ter (NM_000118.4, NM_001406715.1); c.137C>A, p.Ser46Ter (NM_001278138.2); short protein forms S228*, S46*.
Identifiers: ClinVar variation 528071 (VCV000528071.9), dbSNP rs1452543778, ClinGen allele CA374983489.

ClinVar aggregate classification (germline): Pathogenic. Review status: criteria provided, multiple submitters, no conflicts (2 of 4 stars). 2 submissions from 2 submitters: Pathogenic (2). Last evaluated 2025-10-23.

Conditions:
Hereditary hemorrhagic telangiectasia (HHT). Also called: Osler hemorrhagic telangiectasia syndrome; ORW DISEASE; Osler Weber Rendu syndrome; OSLER-RENDU-WEBER DISEASE. Identifiers: Orphanet 774, MedGen C0039445, MONDO:0019180. Disease mechanism: loss of function.
Cardiovascular phenotype. Identifiers: MedGen CN230736.

gnomAD v4.1: 1 of 1,582,452 alleles (0.000063%); highest among the groups gnomAD compares: East Asian, 0.0023%; no homozygotes.

Submissions (2):

Ambry Genetics
Classification: Pathogenic for Cardiovascular phenotype. Last evaluated: 2025-10-23. Review status: criteria provided, single submitter. Criteria: Ambry Variant Classification Scheme 2023. Collection method: clinical testing. Allele origin: germline.
Comment: The p.S228* pathogenic mutation (also known as c.683C>A), located in coding exon 5 of the ENG gene, results from a C to A substitution at nucleotide position 683. This changes the amino acid from a serine to a stop codon within coding exon 5. This variant is considered to be rare based on population cohorts in the Genome Aggregation Database (gnomAD). This alteration is expected to result in loss of function by premature protein truncation or nonsense-mediated mRNA decay. As such, this alteration is interpreted as a disease-causing mutation.

Labcorp Genetics (formerly Invitae), Labcorp
Classification: Pathogenic for Hereditary hemorrhagic telangiectasia. Last evaluated: 2025-09-25. Review status: criteria provided, single submitter. Criteria: Invitae Variant Classification Sherloc (09022015). Collection method: clinical testing. Allele origin: germline.
Comment: This sequence change creates a premature translational stop signal (p.Ser228*) in the ENG gene. It is expected to result in an absent or disrupted protein product. Loss-of-function variants in ENG are known to be pathogenic (PMID: 15879500). This variant is not present in population databases (gnomAD no frequency). This variant has not been reported in the literature in individuals affected with ENG-related conditions. ClinVar contains an entry for this variant (Variation ID: 528071). For these reasons, this variant has been classified as Pathogenic.

Literature cited by the submitters: PubMed 15879500 (cited by Labcorp Genetics (formerly Invitae), Labcorp).